The following is an entry in ClinVar:

NM_001163809.2(WDR81):c.2051A>C (p.Gln684Pro)

Gene: WDR81 (WD repeat domain 81; plus strand). Cytogenetic location: 17p13.3.
Variant type: single nucleotide variant.
Coding change: c.2051A>C on transcript NM_001163809.2 (MANE Select); coding-DNA position 2051, A replaced by C.
Protein change: p.Gln684Pro; replaces glutamine 684 with proline.
Molecular consequence: missense variant. On other transcripts: intron variant (3).
Genome position (GRCh38, 1-based): chr17:1,727,010, A>C. VCF-style: chr17-1727010-A-C. GRCh37 (hg19) VCF-style: chr17-1630304-A-C.
Other names: c.-123-980A>C (NM_152348.4); c.59-3370A>C (NM_001163673.2); c.-15+2224A>C (NM_001163811.2); short protein forms Q684P.
Identifiers: ClinVar variation 808186 (VCV000808186.46), dbSNP rs748793270, ClinGen allele CA8273096.

ClinVar aggregate classification (germline): Conflicting classifications of pathogenicity. Review status: criteria provided, conflicting classifications (1 of 4 stars). 5 submissions from 5 submitters: Uncertain significance (3); Likely benign (2). Last evaluated 2026-02-01.

Conditions:
Cerebellar ataxia, impaired intellectual development, and dysequilibrium syndrome 2. Also called: CEREBELLAR ATAXIA, MENTAL RETARDATION, AND DYSEQUILIBRIUM SYNDROME 2; CEREBELLAR ATAXIA AND MENTAL RETARDATION WITH OR WITHOUT QUADRUPEDAL LOCOMOTION 2; Cerebellar ataxia, intellectual disability, and dysequilibrium syndrome 2. Identifiers: Orphanet 1766, MedGen C2750234, MONDO:0012430, OMIM 610185.
Hydrocephalus, congenital, 3, with brain anomalies. Also called: HYDROCEPHALUS, NONSYNDROMIC, AUTOSOMAL RECESSIVE 3. Identifiers: MedGen C4747885, MONDO:0054794, OMIM 617967.
Inborn genetic diseases. Identifiers: MedGen C0950123, MeSH D030342.

Allele frequency attached by ClinVar (database versions not stated): gnomAD 0.00013; ExAC 0.00012; TOPMed 0.00026.

Submissions (5):

CeGaT Center for Human Genetics Tuebingen
Classification: Likely benign. Last evaluated: 2026-02-01. Review status: criteria provided, single submitter. Criteria: CeGaT Center For Human Genetics Tuebingen Variant Classification Criteria Version 2. Collection method: clinical testing. Allele origin: germline. Affected: yes. Observed: 3 variant alleles.
Comment: WDR81: BP4

Blueprint Genetics
Classification: Uncertain significance. Last evaluated: 2024-10-24. Review status: criteria provided, single submitter. Criteria: ACMG Guidelines, 2015. Collection method: clinical testing. Allele origin: germline.

3billion
Classification: Likely benign for Hydrocephalus, congenital, 3, with brain anomalies; Cerebellar ataxia, impaired intellectual development, and dysequilibrium syndrome 2. Last evaluated: 2024-09-20. Review status: criteria provided, single submitter. Criteria: ACMG Guidelines, 2015. Collection method: clinical testing. Allele origin: germline. Affected: no.
Comment: The homozygous variant was found in patients diagnosed with another variant in a different gene, with no symptoms related to the gene containing the homozygous variant.

Ambry Genetics
Classification: Uncertain significance for Inborn genetic diseases. Last evaluated: 2022-06-03. Review status: criteria provided, single submitter. Criteria: Ambry Variant Classification Scheme 2023. Collection method: clinical testing. Allele origin: germline.

Baylor Genetics
Classification: Uncertain significance for Hydrocephalus, congenital, 3, with brain anomalies. Last evaluated: 2019-11-06. Review status: criteria provided, single submitter. Criteria: ACMG Guidelines, 2015. Collection method: clinical testing. Allele origin: unknown. Affected: yes.
Comment: This variant was determined to be of uncertain significance according to ACMG Guidelines, 2015 [PMID:25741868].

Literature cited by the submitters: PubMed 30560021 (cited by Ambry Genetics); PubMed 31363758 (cited by Ambry Genetics).